The following is an entry in ClinVar:

ClinVar aggregate classification (germline): Likely benign. Review status: criteria provided, multiple submitters, no conflicts (2 of 4 stars). 2 submissions from 2 submitters: Likely benign (2). Last evaluated 2026-07-01.

Conditions:
Autosomal dominant nonsyndromic hearing loss 20. Identifiers: Orphanet 90635, MedGen C1858172, MONDO:0011480, OMIM 604717.
Baraitser-winter syndrome 2. Identifiers: Orphanet 2995, MedGen C3281235, MONDO:0013812, OMIM 614583.

Allele frequency attached by ClinVar (database versions not stated): ExAC 0.00001.
gnomAD v4.1: 4 of 1,613,974 alleles (0.00025%); highest among the groups gnomAD compares: Admixed American, 0.0033%; no homozygotes.

Submissions (2):

CeGaT Center for Human Genetics Tuebingen
Classification: Likely benign. Last evaluated: 2026-07-01. Review status: criteria provided, single submitter. Criteria: CeGaT Center For Human Genetics Tuebingen Variant Classification Criteria Version 2. Collection method: clinical testing. Allele origin: germline. Affected: yes. Observed: 1 variant allele.
Comment: ACTG1: BP4, BP7

Labcorp Genetics (formerly Invitae), Labcorp
Classification: Likely benign for Baraitser-winter syndrome 2; Autosomal dominant nonsyndromic hearing loss 20. Last evaluated: 2023-02-09. Review status: criteria provided, single submitter. Criteria: Invitae Variant Classification Sherloc (09022015). Collection method: clinical testing. Allele origin: germline.

NM_001614.5(ACTG1):c.600C>T (p.Phe200=)

Gene: ACTG1 (actin gamma 1; minus strand). Cytogenetic location: 17q25.3.
Variant type: single nucleotide variant.
Coding change: c.600C>T on transcript NM_001614.5 (MANE Select); coding-DNA position 600, C replaced by T.
Protein change: p.Phe200=; no amino-acid change (phenylalanine 200 retained).
Molecular consequence: synonymous variant. On other transcripts: non-coding transcript variant (1).
Genome position (GRCh38, 1-based): chr17:81,511,390, G>A on the plus strand (C>T on the coding strand, the complement: ACTG1 is on the minus strand). VCF-style: chr17-81511390-G-A. GRCh37 (hg19) VCF-style: chr17-79478416-G-A.
Other names: c.600C>T, p.Phe200= (NM_001199954.3).
Identifiers: ClinVar variation 2935443 (VCV002935443.4), dbSNP rs782058647, ClinGen allele CA8836040.